The following is an entry in ClinVar:

NM_001378477.3(NYX):c.715G>C (p.Glu239Gln)

Gene: NYX (nyctalopin; plus strand). Cytogenetic location: Xp11.4.
Variant type: single nucleotide variant.
Coding change: c.715G>C on transcript NM_001378477.3 (MANE Select); coding-DNA position 715, G replaced by C.
Protein change: p.Glu239Gln; replaces glutamic acid 239 with glutamine.
Molecular consequence: missense variant.
Genome position (GRCh38, 1-based): chrX:41,474,183, G>C. VCF-style: chrX-41474183-G-C. GRCh37 (hg19) VCF-style: chrX-41333436-G-C.
Other names: c.715G>C, p.Glu239Gln (NM_022567.3); short protein forms E239Q.
Identifiers: ClinVar variation 2874525 (VCV002874525.3), dbSNP rs765093922, ClinGen allele CA10389844.

ClinVar aggregate classification (germline): Uncertain significance (1 of 4 stars; one submission).

Allele frequency attached by ClinVar (database versions not stated): TOPMed 0.00001; ExAC 0.00013; gnomAD 0.00005.

Submission:

Labcorp Genetics (formerly Invitae), Labcorp
Classification: Uncertain significance. Last evaluated: 2025-05-21. Review status: criteria provided, single submitter. Criteria: Invitae Variant Classification Sherloc (09022015). Collection method: clinical testing. Allele origin: germline.
Comment: This sequence change replaces glutamic acid, which is acidic and polar, with glutamine, which is neutral and polar, at codon 244 of the NYX protein (p.Glu244Gln). This variant is present in population databases (rs765093922, gnomAD 0.01%). This variant has not been reported in the literature in individuals affected with NYX-related conditions. ClinVar contains an entry for this variant (Variation ID: 2874525). Invitae Evidence Modeling of protein sequence and biophysical properties (such as structural, functional, and spatial information, amino acid conservation, physicochemical variation, residue mobility, and thermodynamic stability) indicates that this missense variant is not expected to disrupt NYX protein function with a negative predictive value of 80%. In summary, the available evidence is currently insufficient to determine the role of this variant in disease. Therefore, it has been classified as a Variant of Uncertain Significance.